The following is an entry in ClinVar:

NM_017617.5(NOTCH1):c.5934+2T>C

Gene: NOTCH1 (notch receptor 1; minus strand). Cytogenetic location: 9q34.3.
Variant type: single nucleotide variant.
Coding change: c.5934+2T>C on transcript NM_017617.5 (MANE Select); the canonical splice donor site of the intron after coding-DNA position 5934, T replaced by C.
Molecular consequence: splice donor variant.
Genome position (GRCh38, 1-based): chr9:136,500,550, A>G on the plus strand (T>C on the coding strand, the complement: NOTCH1 is on the minus strand). VCF-style: chr9-136500550-A-G. GRCh37 (hg19) VCF-style: chr9-139395002-A-G.
Identifiers: ClinVar variation 3726479 (VCV003726479.2).
Genomic context (GRCh38, chr9:136,500,550, plus strand): 5'-TGCCCCAGACCACCAGGCGGCCCTGAGGAGGGCAGGTGGGCACACAGGCAGCCACTGCCT[A>G]CCTGGAAGACACCTTGTGCGTCGGCAGACACAGCCGCATGCAGCGGGGTGCGGCCCATGT-3'

ClinVar aggregate classification (germline): Likely pathogenic (1 of 4 stars; one submission).

Conditions:
Adams-Oliver syndrome 5 (AOS5). Identifiers: Orphanet 974, MedGen C4014970, MONDO:0014459, OMIM 616028.

Submission:

Labcorp Genetics (formerly Invitae), Labcorp
Classification: Likely pathogenic for Adams-Oliver syndrome 5. Last evaluated: 2024-12-02. Review status: criteria provided, single submitter. Criteria: Invitae Variant Classification Sherloc (09022015). Collection method: clinical testing. Allele origin: germline.
Comment: This sequence change affects a donor splice site in intron 31 of the NOTCH1 gene. It is expected to disrupt RNA splicing. Variants that disrupt the donor or acceptor splice site typically lead to a loss of protein function (PMID: 16199547), and loss-of-function variants in NOTCH1 are known to be pathogenic (PMID: 16025100, 21457232, 25132448, 25963545, 32720365, 33630301). This variant is not present in population databases (gnomAD no frequency). This variant has not been reported in the literature in individuals affected with NOTCH1-related conditions. Algorithms developed to predict the effect of sequence changes on RNA splicing suggest that this variant may disrupt the consensus splice site. In summary, the currently available evidence indicates that the variant is pathogenic, but additional data are needed to prove that conclusively. Therefore, this variant has been classified as Likely Pathogenic.

Literature cited by the submitters: PubMed 16199547; PubMed 16025100; PubMed 21457232; PubMed 25132448; PubMed 25963545; PubMed 32720365; PubMed 33630301.